The following is an entry in ClinVar:

ClinVar aggregate classification (germline): Likely benign. Review status: criteria provided, multiple submitters, no conflicts (2 of 4 stars). 2 submissions from 2 submitters: Likely benign (2). Last evaluated 2026-09-18.

Conditions:
Autosomal recessive limb-girdle muscular dystrophy type 2Q (LGMDR17). Also called: MUSCULAR DYSTROPHY, LIMB-GIRDLE, AUTOSOMAL RECESSIVE 17. Identifiers: Orphanet 254361, MedGen C3150989, MONDO:0013390, OMIM 613723.
Epidermolysis bullosa simplex, Ogna type (EBS5A). Also called: Pidermolysis bullosa simplex 5A, Ogna type; EPIDERMOLYSIS BULLOSA SIMPLEX 5A, OGNA TYPE. Identifiers: Orphanet 79401, MedGen C0432317, MONDO:0007555, OMIM 131950.
Epidermolysis bullosa simplex with nail dystrophy (EBS5D). Identifiers: MedGen C4225309, MONDO:0014661, OMIM 616487.
Epidermolysis bullosa simplex 5B, with muscular dystrophy (EBS5B). Also called: Epidermolysis bullosa simplex with muscular dystrophy; EPIDERMOLYSIS BULLOSA SIMPLEX AND LIMB-GIRDLE MUSCULAR DYSTROPHY. Identifiers: Orphanet 257, MedGen C2931072, MONDO:0009181, OMIM 226670.
Epidermolysis bullosa simplex 5C, with pyloric atresia (EBS5C). Also called: PLEC-Related Epidermolysis Bullosa with Pyloric Atresia; Epidermolysis bullosa simplex with pyloric atresia; PLEC1-Related Epidermolysis Bullosa with Pyloric Atresia. Identifiers: Orphanet 158684, MedGen C2677349, MONDO:0012807, OMIM 612138.
PLEC-related disorder. Also called: PLEC-related disorders; PLEC-related condition.

Allele frequency attached by ClinVar (database versions not stated): gnomAD exomes below 0.00001; gnomAD 0.00003; TOPMed 0.00003.
gnomAD v4.1: 9 of 1,611,712 alleles (0.00056%); highest among the groups gnomAD compares: African/African-American, 0.011%; no homozygotes.

Submissions (2):

PreventionGenetics, part of Exact Sciences
Classification: Likely benign for PLEC-related condition. Last evaluated: 2026-09-18. Review status: criteria provided, single submitter. Criteria: ACMG Guidelines, 2015. Collection method: clinical testing. Allele origin: germline.
Comment: This variant is classified as likely benign based on ACMG/AMP sequence variant interpretation guidelines (Richards et al. 2015 PMID: 25741868, with internal and published modifications).

Labcorp Genetics (formerly Invitae), Labcorp
Classification: Likely benign for Autosomal recessive limb-girdle muscular dystrophy type 2Q; Epidermolysis bullosa simplex, Ogna type; Epidermolysis bullosa simplex with nail dystrophy; Epidermolysis bullosa simplex 5C, with pyloric atresia; Epidermolysis bullosa simplex 5B, with muscular dystrophy. Last evaluated: 2024-11-18. Review status: criteria provided, single submitter. Criteria: Invitae Variant Classification Sherloc (09022015). Collection method: clinical testing. Allele origin: germline.

NM_201384.3(PLEC):c.13290C>T (p.Ala4430=)

Gene: PLEC (plectin; minus strand). Cytogenetic location: 8q24.3.
Variant type: single nucleotide variant.
Coding change: c.13290C>T on transcript NM_201384.3 (MANE Select); coding-DNA position 13290, C replaced by T.
Protein change: p.Ala4430=; no amino-acid change (alanine 4430 retained).
Molecular consequence: synonymous variant.
Genome position (GRCh38, 1-based): chr8:143,916,531, G>A on the plus strand (C>T on the coding strand, the complement: PLEC is on the minus strand). VCF-style: chr8-143916531-G-A. GRCh37 (hg19) VCF-style: chr8-144990699-G-A.
Other names: c.13371C>T, p.Ala4457= (NM_000445.5); c.9990C>T, p.Ala3330= (NM_001410941.1); c.13248C>T, p.Ala4416= (NM_201378.4); c.13224C>T, p.Ala4408= (NM_201379.3); c.13701C>T, p.Ala4567= (NM_201380.4); c.13194C>T, p.Ala4398= (NM_201381.3); c.13290C>T, p.Ala4430= (NM_201382.4); c.13302C>T, p.Ala4434= (NM_201383.3); and 1 more.
Identifiers: ClinVar variation 2166263 (VCV002166263.5), dbSNP rs1274719348, ClinGen allele CA463525669.